The following is an entry in ClinVar:

ClinVar aggregate classification (germline): Uncertain significance (1 of 4 stars; one submission).

Conditions:
Hereditary cancer-predisposing syndrome. Also called: Neoplastic Syndromes, Hereditary; Tumor predisposition; Hereditary neoplastic syndrome; Hereditary Cancer Syndrome. Identifiers: Orphanet 140162, MedGen C0027672, MeSH D009386, MONDO:0015356.

Submission:

Ambry Genetics
Classification: Uncertain significance for Hereditary cancer-predisposing syndrome. Last evaluated: 2022-12-03. Review status: criteria provided, single submitter. Criteria: Ambry Variant Classification Scheme 2023. Collection method: clinical testing. Allele origin: germline.
Comment: The p.H1820P variant (also known as c.5459A>C), located in coding exon 40 of the POLE gene, results from an A to C substitution at nucleotide position 5459. The histidine at codon 1820 is replaced by proline, an amino acid with similar properties. This amino acid position is conserved. In addition, this alteration is predicted to be deleterious by in silico analysis. Since supporting evidence is limited at this time, the clinical significance of this alteration remains unclear.

NM_006231.4(POLE):c.5459A>C (p.His1820Pro)

Gene: POLE (DNA polymerase epsilon, catalytic subunit; minus strand). Cytogenetic location: 12q24.33.
Variant type: single nucleotide variant.
Coding change: c.5459A>C on transcript NM_006231.4 (MANE Select); coding-DNA position 5459, A replaced by C.
Protein change: p.His1820Pro; replaces histidine 1820 with proline.
Molecular consequence: missense variant.
Genome position (GRCh38, 1-based): chr12:132,639,218, T>G on the plus strand (A>C on the coding strand, the complement: POLE is on the minus strand). VCF-style: chr12-132639218-T-G. GRCh37 (hg19) VCF-style: chr12-133215804-T-G.
Other names: short protein forms H1820P.
Identifiers: ClinVar variation 3225481 (VCV003225481.1), dbSNP rs1593721943, ClinGen allele CA387374742.